The following is an entry in ClinVar:

NM_001395413.1(POR):c.1992del (p.Lys664fs)

Gene: POR (cytochrome p450 oxidoreductase; plus strand). Cytogenetic location: 7q11.23.
Variant type: Deletion.
Coding change: c.1992del on transcript NM_001395413.1 (MANE Select); coding-DNA position 1992, one base deleted (A; older notation c.1992delA).
Protein change: p.Lys664fs; shifts the reading frame from lysine 664.
Molecular consequence: frameshift variant.
Genome position (GRCh38, 1-based): chr7:75,986,439, A deleted; the last of 3 consecutive A bases (chr7:75,986,437-75,986,439); deleting any one gives the same sequence. VCF-style (leftmost placement, unchanged base first): chr7-75986436-GA-G. GRCh37 (hg19) VCF-style: chr7-75615754-GA-G.
Other names: c.2001delA, p.Lys667Asnfs (NM_000941.2, NM_000941.3); c.1992del, p.Lys664fs (NM_001367562.3, NM_001382657.2, NM_001382658.3 and 1 more transcripts); c.2046del, p.Lys682fs (NM_001382655.3); c.1842del, p.Lys614fs (NM_001382662.3); short protein forms K682fs, K614fs, K664fs.
Identifiers: ClinVar variation 2039376 (VCV002039376.4), dbSNP rs782577122, ClinGen allele CA4304397.

ClinVar aggregate classification (germline): Uncertain significance (1 of 4 stars; one submission).

Conditions:
Congenital adrenal hyperplasia due to cytochrome P450 oxidoreductase deficiency. Also called: DISORDERED STEROIDOGENESIS DUE TO POR DEFICIENCY. Identifiers: Orphanet 95699, MedGen C1860042, MONDO:0013310, OMIM 613571.

Submission:

Labcorp Genetics (formerly Invitae), Labcorp
Classification: Uncertain significance for Congenital adrenal hyperplasia due to cytochrome P450 oxidoreductase deficiency. Last evaluated: 2022-05-03. Review status: criteria provided, single submitter. Criteria: Invitae Variant Classification Sherloc (09022015). Collection method: clinical testing. Allele origin: germline.
Comment: In summary, the available evidence is currently insufficient to determine the role of this variant in disease. Therefore, it has been classified as a Variant of Uncertain Significance. Experimental studies and prediction algorithms are not available or were not evaluated, and the functional significance of this variant is currently unknown. This variant has not been reported in the literature in individuals affected with POR-related conditions. This variant is not present in population databases (gnomAD no frequency). This sequence change creates a premature translational stop signal (p.Lys667Asnfs*2) in the POR gene. While this is not anticipated to result in nonsense mediated decay, it is expected to disrupt the last 14 amino acid(s) of the POR protein.